The following is an entry in ClinVar:

NM_001361.5(DHODH):c.188C>T (p.Ser63Phe)

Gene: DHODH (dihydroorotate dehydrogenase (quinone); plus strand). Cytogenetic location: 16q22.2.
Variant type: single nucleotide variant.
Coding change: c.188C>T on transcript NM_001361.5 (MANE Select); coding-DNA position 188, C replaced by T.
Protein change: p.Ser63Phe; replaces serine 63 with phenylalanine.
Molecular consequence: missense variant.
Genome position (GRCh38, 1-based): chr16:72,012,216, C>T. VCF-style: chr16-72012216-C-T. GRCh37 (hg19) VCF-style: chr16-72046115-C-T.
Other names: short protein forms S63F.
Identifiers: ClinVar variation 2118803 (VCV002118803.4), dbSNP rs2544393248, ClinGen allele CA396680155.

ClinVar aggregate classification (germline): Uncertain significance (1 of 4 stars; one submission).

Submission:

Labcorp Genetics (formerly Invitae), Labcorp
Classification: Uncertain significance. Last evaluated: 2022-03-28. Review status: criteria provided, single submitter. Criteria: Invitae Variant Classification Sherloc (09022015). Collection method: clinical testing. Allele origin: germline.
Comment: This variant has not been reported in the literature in individuals affected with DHODH-related conditions. In summary, the available evidence is currently insufficient to determine the role of this variant in disease. Therefore, it has been classified as a Variant of Uncertain Significance. Algorithms developed to predict the effect of missense changes on protein structure and function are either unavailable or do not agree on the potential impact of this missense change (SIFT: "Deleterious"; PolyPhen-2: "Benign"; Align-GVGD: "Class C0"). This variant is not present in population databases (gnomAD no frequency). This sequence change replaces serine, which is neutral and polar, with phenylalanine, which is neutral and non-polar, at codon 63 of the DHODH protein (p.Ser63Phe).